The following is an entry in ClinVar:

ClinVar aggregate classification (germline): Likely benign. Review status: criteria provided, multiple submitters, no conflicts (2 of 4 stars). 2 submissions from 2 submitters: Likely benign (2). Last evaluated 2026-06-03.

Conditions:
Hereditary spastic paraplegia 73. Also called: Spastic paraplegia 73, autosomal dominant. Identifiers: Orphanet 444099, MedGen C5568981, MONDO:0014568, OMIM 616282.
CPT1C-related disorder. Also called: CPT1C-related condition.

Allele frequency attached by ClinVar (database versions not stated): gnomAD exomes 0.00002; ExAC 0.00003; gnomAD 0.00003; TOPMed 0.00005; 1000 Genomes Project 0.00040; 1000 Genomes Project 30x 0.00047.
gnomAD v4.1: 33 of 1,604,636 alleles (0.0021%); highest among the groups gnomAD compares: Admixed American, 0.018%; no homozygotes.

Submissions (2):

PreventionGenetics, part of Exact Sciences
Classification: Likely benign for CPT1C-related condition. Last evaluated: 2026-06-03. Review status: criteria provided, single submitter. Criteria: ACMG Guidelines, 2015. Collection method: clinical testing. Allele origin: germline.
Comment: This variant is classified as likely benign based on ACMG/AMP sequence variant interpretation guidelines (Richards et al. 2015 PMID: 25741868, with internal and published modifications).

Labcorp Genetics (formerly Invitae), Labcorp
Classification: Likely benign for Hereditary spastic paraplegia 73. Last evaluated: 2025-07-22. Review status: criteria provided, single submitter. Criteria: Invitae Variant Classification Sherloc (09022015). Collection method: clinical testing. Allele origin: germline.

NM_001199753.2(CPT1C):c.795G>A (p.Thr265=)

Gene: CPT1C (carnitine palmitoyltransferase 1C; plus strand). Cytogenetic location: 19q13.33.
Variant type: single nucleotide variant.
Coding change: c.795G>A on transcript NM_001199753.2 (MANE Select); coding-DNA position 795, G replaced by A.
Protein change: p.Thr265=; no amino-acid change (threonine 265 retained).
Molecular consequence: synonymous variant. On other transcripts: non-coding transcript variant (1), intron variant (4).
Genome position (GRCh38, 1-based): chr19:49,705,030, G>A. VCF-style: chr19-49705030-G-A. GRCh37 (hg19) VCF-style: chr19-50208287-G-A.
Other names: c.795G>A, p.Thr265= (NM_001199752.3, NM_001378483.1, NM_001378484.1 and 3 more transcripts); c.772-10G>A (NM_001378485.1, NM_001378482.1, NM_001136052.3 and 1 more transcripts); c.795G>A (NM_001199752.2).
Identifiers: ClinVar variation 2849230 (VCV002849230.4), dbSNP rs199544289, ClinGen allele CA9581963.